The following is an entry in ClinVar:

ClinVar aggregate classification (germline): Uncertain significance (1 of 4 stars; one submission).

Conditions:
Sterile multifocal osteomyelitis with periostitis and pustulosis. Also called: CHRONIC RECURRENT MULTIFOCAL OSTEOMYELITIS 2, WITH PERIOSTITIS AND PUSTULOSIS. Identifiers: Orphanet 210115, MedGen C2748507, MONDO:0013021, OMIM 612852.

Allele frequency attached by ClinVar (database versions not stated): ExAC 0.00001; gnomAD 0.00001 and 0.00003; gnomAD exomes 0.00001 and 0.00003; TOPMed 0.00001; 1000 Genomes Project 30x 0.00031; 1000 Genomes Project 0.00040.
gnomAD v4.1: 24 of 1,614,254 alleles (0.0015%); highest among the groups gnomAD compares: East Asian, 0.011%; no homozygotes.

Submission:

Labcorp Genetics (formerly Invitae), Labcorp
Classification: Uncertain significance for Sterile multifocal osteomyelitis with periostitis and pustulosis. Last evaluated: 2022-10-09. Review status: criteria provided, single submitter. Criteria: Invitae Variant Classification Sherloc (09022015). Collection method: clinical testing. Allele origin: germline.
Comment: This sequence change replaces alanine, which is neutral and non-polar, with valine, which is neutral and non-polar, at codon 152 of the IL1RN protein (p.Ala152Val). This variant is present in population databases (rs374276440, gnomAD 0.01%). This variant has not been reported in the literature in individuals affected with IL1RN-related conditions. ClinVar contains an entry for this variant (Variation ID: 953990). Algorithms developed to predict the effect of missense changes on protein structure and function output the following: SIFT: "Deleterious"; PolyPhen-2: "Benign"; Align-GVGD: "Class C0". The valine amino acid residue is found in multiple mammalian species, which suggests that this missense change does not adversely affect protein function. In summary, the available evidence is currently insufficient to determine the role of this variant in disease. Therefore, it has been classified as a Variant of Uncertain Significance.

NM_173842.3(IL1RN):c.446C>T (p.Ala149Val)

Gene: IL1RN (interleukin 1 receptor antagonist; plus strand). Cytogenetic location: 2q14.1.
Variant type: single nucleotide variant.
Coding change: c.446C>T on transcript NM_173842.3 (MANE Select); coding-DNA position 446, C replaced by T.
Protein change: p.Ala149Val; replaces alanine 149 with valine.
Molecular consequence: missense variant.
Genome position (GRCh38, 1-based): chr2:113,132,783, C>T. VCF-style: chr2-113132783-C-T. GRCh37 (hg19) VCF-style: chr2-113890360-C-T.
Other names: c.392C>T, p.Ala131Val (NM_000577.5); c.344C>T, p.Ala115Val (NM_001318914.2, NM_001379360.1, NM_173843.3); c.455C>T, p.Ala152Val (NM_173841.3); short protein forms A115V, A131V, A149V, A152V.
Identifiers: ClinVar variation 953990 (VCV000953990.7), dbSNP rs374276440, ClinGen allele CA1838903.